The following is an entry in ClinVar:

ClinVar aggregate classification (germline): Pathogenic/Likely pathogenic. Review status: criteria provided, multiple submitters, no conflicts (2 of 4 stars). 5 submissions from 5 submitters: Pathogenic (4); Likely pathogenic (1). Last evaluated 2025-12-09.

Conditions:
Hereditary cancer-predisposing syndrome. Also called: Neoplastic Syndromes, Hereditary; Hereditary neoplastic syndrome; Tumor predisposition; Hereditary Cancer Syndrome. Identifiers: Orphanet 140162, MedGen C0027672, MeSH D009386, MONDO:0015356.
Familial cancer of breast. Also called: hereditary breast carcinoma; Hereditary breast cancer; BREAST CANCER, FAMILIAL. Identifiers: Orphanet 227535, MedGen C0346153, MONDO:0016419, OMIM 114480. Disease mechanism: loss of function.
Ataxia-telangiectasia syndrome (AT). Also called: Ataxia telangiectasia (A-T); Cerebello-oculocutaneous telangiectasia; Immunodeficiency with ataxia telangiectasia; LOUIS-BAR SYNDROME; AT, COMPLEMENTATION GROUP C; ATAXIA-TELANGIECTASIA, FRESNO VARIANT. Identifiers: Orphanet 100, MedGen C0004135, MONDO:0008840, OMIM 208900.

Submissions (5):

Ambry Genetics
Classification: Pathogenic for Hereditary cancer-predisposing syndrome. Last evaluated: 2025-12-09. Review status: criteria provided, single submitter. Criteria: Ambry Variant Classification Scheme 2023. Collection method: clinical testing. Allele origin: germline.
Comment: The c.7066_7081del16 pathogenic mutation, located in coding exon 47 of the ATM gene, results from a deletion of 16 nucleotides at nucleotide positions 7066 to 7081, causing a translational frameshift with a predicted alternate stop codon (p.I2356*). This alteration is expected to result in loss of function by premature protein truncation or nonsense-mediated mRNA decay. As such, this alteration is interpreted as a disease-causing mutation.

Labcorp Genetics (formerly Invitae), Labcorp
Classification: Pathogenic for Ataxia-telangiectasia syndrome. Last evaluated: 2025-11-22. Review status: criteria provided, single submitter. Criteria: Invitae Variant Classification Sherloc (09022015). Collection method: clinical testing. Allele origin: germline.
Comment: This sequence change creates a premature translational stop signal (p.Ile2356*) in the ATM gene. It is expected to result in an absent or disrupted protein product. Loss-of-function variants in ATM are known to be pathogenic (PMID: 23807571, 25614872). This variant is not present in population databases (gnomAD no frequency). This variant has not been reported in the literature in individuals affected with ATM-related conditions. ClinVar contains an entry for this variant (Variation ID: 265367). For these reasons, this variant has been classified as Pathogenic.

Myriad Genetics, Inc.
Classification: Pathogenic for Familial cancer of breast. Last evaluated: 2024-01-30. Review status: criteria provided, single submitter. Criteria: Myriad Autosomal Dominant, Autosomal Recessive and X-Linked Classification Criteria (2023). Collection method: clinical testing. Allele origin: unknown.
Comment: This variant is considered pathogenic. This variant creates a termination codon and is predicted to result in premature protein truncation.

Color Diagnostics, LLC DBA Color Health
Classification: Pathogenic for Hereditary cancer-predisposing syndrome. Last evaluated: 2020-02-18. Review status: criteria provided, single submitter. Criteria: ACMG Guidelines, 2015. Collection method: clinical testing. Allele origin: germline.
Comment: This variant deletes 16 nucleotides in exon 48 of the ATM gene, creating a premature translation stop signal. This variant is expected to result in an absent or non-functional protein product. To our knowledge, functional studies have not been performed for this variant. This variant has not been reported in individuals affected with hereditary cancer in the literature. This variant has not been identified in the general population by the Genome Aggregation Database (gnomAD). Loss of ATM function is a known mechanism of disease. Based on the available evidence, this variant is classified as Pathogenic.

GeneDx
Classification: Likely pathogenic. Last evaluated: 2016-05-26. Review status: criteria provided, single submitter. Criteria: GeneDx Variant Classification (06012015). Collection method: clinical testing. Allele origin: germline. Affected: yes.
Comment: This deletion of 16 nucleotides is denoted ATM c.7066_7081del16 at the cDNA level and p.Ile2356Ter (I2356X) at the protein level. The normal sequence, with the bases that are deleted in braces, is GGTC[del16]TAGA. The deletion creates a nonsense variant, which changes an Isoleucine to a premature stop codon. Although this variant has not been previously reported to our knowledge, it is predicted to cause loss of normal protein function through either protein truncation or nonsense-mediated mRNA decay, and is considered likely pathogenic.

Literature cited by the submitters: PubMed 23807571 (cited by Labcorp Genetics (formerly Invitae), Labcorp); PubMed 25614872 (cited by Labcorp Genetics (formerly Invitae), Labcorp).

NM_000051.4(ATM):c.7066_7081del (p.Val2355_Ile2356insTer)

Genes: ATM (ATM serine/threonine kinase; plus strand), C11orf65 (chromosome 11 open reading frame 65; minus strand). Cytogenetic location: 11q22.3.
Variant type: Deletion.
Coding change: c.7066_7081del on transcript NM_000051.4 (MANE Select); coding-DNA positions 7066 to 7081, 16 bases deleted (ATCATGCAGACCTATC).
Protein change: p.Val2355_Ile2356insTer.
Molecular consequence: nonsense. On other transcripts: frameshift variant (2), intron variant (2).
Genome position (GRCh38, 1-based): chr11:108,327,735-108,327,750, ATCATGCAGACCTATC deleted; deleting any 16 consecutive bases within chr11:108,327,733-108,327,750 gives the same sequence; the c. name uses the placement nearest the transcript's 3' end. VCF-style (leftmost placement, unchanged base first): chr11-108327732-GTCATCATGCAGACCTA-G. GRCh37 (hg19) VCF-style: chr11-108198459-GTCATCATGCAGACCTA-G.
Other names: c.7066_7081delATCATGCAGACCTATC (NM_000051.3); c.7066_7081del16, p.Ile2356Terfs (NM_000051.3); c.7066_7081del, p.Val2355_Ile2356insTer (NM_001351834.2); c.641-18677_641-18662del (NM_001330368.2); c.*38+7472_*38+7487del (NM_001351110.2).
Identifiers: ClinVar variation 265367 (VCV000265367.11), dbSNP rs886039502, ClinGen allele CA10588508.